The following is an entry in ClinVar:

NM_020987.5(ANK3):c.8731G>A (p.Gly2911Ser)

Gene: ANK3 (ankyrin 3; minus strand). Cytogenetic location: 10q21.2.
Variant type: single nucleotide variant.
Coding change: c.8731G>A on transcript NM_020987.5 (MANE Select); coding-DNA position 8731, G replaced by A.
Protein change: p.Gly2911Ser; replaces glycine 2911 with serine.
Molecular consequence: missense variant. On other transcripts: intron variant (4).
Genome position (GRCh38, 1-based): chr10:60,072,150, C>T on the plus strand (G>A on the coding strand, the complement: ANK3 is on the minus strand). VCF-style: chr10-60072150-C-T. GRCh37 (hg19) VCF-style: chr10-61831908-C-T.
Other names: c.4388-4141G>A (NM_001204403.2); c.4409-4141G>A (NM_001204404.2); c.4406-4141G>A (NM_001320874.2); c.1808-4141G>A (NM_001149.4); c.8731G>A (NM_020987.3); short protein forms G2911S.
Identifiers: ClinVar variation 2183403 (VCV002183403.6), dbSNP rs141680257, ClinGen allele CA5511496.

ClinVar aggregate classification (germline): Uncertain significance. Review status: criteria provided, multiple submitters, no conflicts (2 of 4 stars). 3 submissions from 3 submitters: Uncertain significance (3). Last evaluated 2025-07-24.

Conditions:
Intellectual developmental disorder, autosomal recessive 37. Also called: Intellectual disability-hypotonia-spasticity-sleep disorder syndrome. Identifiers: Orphanet 356996, MedGen C3809672, MONDO:0014210, OMIM 615493.

Allele frequency attached by ClinVar (database versions not stated): ExAC 0.00008; TOPMed 0.00015; 1000 Genomes Project 30x 0.00016; gnomAD 0.00016; 1000 Genomes Project 0.00020; ESP Exome Variant Server 0.00031.
gnomAD v4.1: 49 of 1,613,688 alleles (0.003%); highest among the groups gnomAD compares: African/African-American, 0.051%; no homozygotes.

Submissions (3):

GeneDx
Classification: Uncertain significance. Last evaluated: 2025-07-24. Review status: criteria provided, single submitter. Criteria: GeneDx Variant Classification Process June 2021. Collection method: clinical testing. Allele origin: germline. Affected: yes.
Comment: In silico analysis suggests that this missense variant does not alter protein structure/function; This variant is associated with the following publications: (PMID: 35982159, 33057194)

Pittsburgh Clinical Genomics Laboratory, University of Pittsburgh Medical Center
Classification: Uncertain significance for Intellectual developmental disorder, autosomal recessive 37. Last evaluated: 2023-04-25. Review status: criteria provided, single submitter. Criteria: ACMG Guidelines, 2015. Collection method: clinical testing. Allele origin: germline. Inheritance: Autosomal unknown. Affected: yes.
Comment: This sequence variant is a single nucleotide substitution (G>A) at coding position 8731 of the ANK3 gene which results in a glycine to serine amino acid change at residue 2911 in the ANK3 protein. This variant has not been reported in clinical genetics databases or observed in the medical literature in individuals with ANK3-related disease, to our knowledge. This variant is present in 18/280874 alleles (0.006%) in the gnomAD population database. Multiple bioinformatic tools queried predict that this amino acid change would be damaging, and glycine is highly conserved at this protein position in vertebrates. Functiol studies assessing the effect of this variant on protein structure or activity have not been performed, to our knowledge. At this time, there is insufficient evidence to determine if this variant is pathogenic or benign. Therefore, we consider it to be a variant of uncertain significance. ACMG Criteria: BP1, PM2, PP3

Labcorp Genetics (formerly Invitae), Labcorp
Classification: Uncertain significance. Last evaluated: 2022-07-14. Review status: criteria provided, single submitter. Criteria: Invitae Variant Classification Sherloc (09022015). Collection method: clinical testing. Allele origin: germline.
Comment: This sequence change replaces glycine, which is neutral and non-polar, with serine, which is neutral and polar, at codon 2911 of the ANK3 protein (p.Gly2911Ser). This variant is present in population databases (rs141680257, gnomAD 0.05%). This variant has not been reported in the literature in individuals affected with ANK3-related conditions. Algorithms developed to predict the effect of missense changes on protein structure and function are either unavailable or do not agree on the potential impact of this missense change (SIFT: "Not Available"; PolyPhen-2: "Possibly Damaging"; Align-GVGD: "Not Available"). In summary, the available evidence is currently insufficient to determine the role of this variant in disease. Therefore, it has been classified as a Variant of Uncertain Significance.